The following is an entry in ClinVar:

NM_080732.4(EGLN2):c.431C>T (p.Ala144Val)

Genes: EGLN2 (egl-9 family hypoxia inducible factor 2; plus strand), RAB4B-EGLN2 (RAB4B-EGLN2 readthrough (NMD candidate); plus strand). Cytogenetic location: 19q13.2.
Variant type: single nucleotide variant.
Coding change: c.431C>T on transcript NM_080732.4 (MANE Select); coding-DNA position 431, C replaced by T.
Protein change: p.Ala144Val; replaces alanine 144 with valine.
Molecular consequence: missense variant. On other transcripts: non-coding transcript variant (1).
Genome position (GRCh38, 1-based): chr19:40,801,003, C>T. VCF-style: chr19-40801003-C-T. GRCh37 (hg19) VCF-style: chr19-41306908-C-T.
Other names: c.431C>T, p.Ala144Val (NM_053046.4); short protein forms A144V.
Identifiers: ClinVar variation 1739686 (VCV001739686.2), dbSNP rs777041827, ClinGen allele CA405955241.

ClinVar aggregate classification (germline): Uncertain significance (1 of 4 stars; one submission).

Submission:

Ambry Genetics
Classification: Uncertain significance. Last evaluated: 2022-05-13. Review status: criteria provided, single submitter. Criteria: Ambry Variant Classification Scheme 2023. Collection method: clinical testing. Allele origin: germline.
Comment: The p.A144V variant (also known as c.431C>T), located in coding exon 1 of the EGLN2 gene, results from a C to T substitution at nucleotide position 431. The alanine at codon 144 is replaced by valine, an amino acid with similar properties. This amino acid position is conserved. In addition, this alteration is predicted to be tolerated by in silico analysis. Since supporting evidence is limited at this time, the clinical significance of this alteration remains unclear.